The following is an entry in ClinVar:

ClinVar aggregate classification (germline): Likely benign. Review status: criteria provided, multiple submitters, no conflicts (2 of 4 stars). 2 submissions from 2 submitters: Likely benign (2). Last evaluated 2025-12-01.

Allele frequency attached by ClinVar (database versions not stated): 1000 Genomes Project 0.00479; gnomAD exomes 0.00483 and 0.00554; gnomAD 0.00519 and 0.00520; ExAC 0.00534; ESP Exome Variant Server 0.00554; TOPMed 0.00592; 1000 Genomes Project 30x 0.00640.
gnomAD v4.1: 4,273 of 779,858 alleles (0.55%); highest among the groups gnomAD compares: Admixed American, 0.8%; 22 homozygotes.

Submissions (16):

CeGaT Center for Human Genetics Tuebingen
Classification: Likely benign. Last evaluated: 2025-12-01. Review status: criteria provided, single submitter. Criteria: CeGaT Center For Human Genetics Tuebingen Variant Classification Criteria Version 2. Collection method: clinical testing. Allele origin: germline. Affected: yes. Observed: 8 variant alleles.
Comment: ODAD4: BP4, BS2

Breakthrough Genomics
Classification: Likely benign. Review status: criteria provided, single submitter. Criteria: ACMG Guidelines, 2015. Collection method: not provided. Allele origin: germline. Inheritance: Autosomal recessive inheritance. Affected: yes.

Dr. Peter K. Rogan Lab, Western University
No classification provided (evidence only). Condition: Malignant tumor of urinary bladder. Review status: no classification provided. Collection method: in vitro. Allele origin: not applicable. Functional consequence: retained intron. Not counted in ClinVar's aggregate classification.

Dr. Peter K. Rogan Lab, Western University
No classification provided (evidence only). Condition: Malignant tumor of urinary bladder. Review status: no classification provided. Collection method: in vitro. Allele origin: not applicable. Functional consequence: retained intron. Not counted in ClinVar's aggregate classification.

Dr. Peter K. Rogan Lab, Western University
No classification provided (evidence only). Condition: Clear cell carcinoma of kidney. Review status: no classification provided. Collection method: in vitro. Allele origin: not applicable. Functional consequence: retained intron. Not counted in ClinVar's aggregate classification.

Dr. Peter K. Rogan Lab, Western University
No classification provided (evidence only). Condition: Clear cell carcinoma of kidney. Review status: no classification provided. Collection method: in vitro. Allele origin: not applicable. Functional consequence: retained intron. Not counted in ClinVar's aggregate classification.

Dr. Peter K. Rogan Lab, Western University
No classification provided (evidence only). Condition: Lung cancer. Review status: no classification provided. Collection method: in vitro. Allele origin: not applicable. Functional consequence: retained intron. Not counted in ClinVar's aggregate classification.

Dr. Peter K. Rogan Lab, Western University
No classification provided (evidence only). Condition: Colon adenocarcinoma. Review status: no classification provided. Collection method: in vitro. Allele origin: not applicable. Functional consequence: retained intron. Not counted in ClinVar's aggregate classification.

Dr. Peter K. Rogan Lab, Western University
No classification provided (evidence only). Condition: Thyroid cancer, nonmedullary, 1. Review status: no classification provided. Collection method: in vitro. Allele origin: not applicable. Functional consequence: retained intron. Not counted in ClinVar's aggregate classification.

Dr. Peter K. Rogan Lab, Western University
No classification provided (evidence only). Condition: Uterine corpus endometrial carcinoma. Review status: no classification provided. Collection method: in vitro. Allele origin: not applicable. Functional consequence: retained intron. Not counted in ClinVar's aggregate classification.

Dr. Peter K. Rogan Lab, Western University
No classification provided (evidence only). Condition: Cervical cancer. Review status: no classification provided. Collection method: in vitro. Allele origin: not applicable. Functional consequence: retained intron. Not counted in ClinVar's aggregate classification.

Dr. Peter K. Rogan Lab, Western University
No classification provided (evidence only). Condition: Sarcoma. Review status: no classification provided. Collection method: in vitro. Allele origin: not applicable. Functional consequence: retained intron. Not counted in ClinVar's aggregate classification.

Dr. Peter K. Rogan Lab, Western University
No classification provided (evidence only). Condition: Thymoma. Review status: no classification provided. Collection method: in vitro. Allele origin: not applicable. Functional consequence: retained intron. Not counted in ClinVar's aggregate classification.

Dr. Peter K. Rogan Lab, Western University
No classification provided (evidence only). Condition: Ovarian serous cystadenocarcinoma. Review status: no classification provided. Collection method: in vitro. Allele origin: not applicable. Functional consequence: retained intron. Not counted in ClinVar's aggregate classification.

Dr. Peter K. Rogan Lab, Western University
No classification provided (evidence only). Condition: Gastric cancer. Review status: no classification provided. Collection method: in vitro. Allele origin: not applicable. Functional consequence: retained intron. Not counted in ClinVar's aggregate classification.

Dr. Peter K. Rogan Lab, Western University
No classification provided (evidence only). Condition: Gastric cancer. Review status: no classification provided. Collection method: in vitro. Allele origin: not applicable. Functional consequence: retained intron. Not counted in ClinVar's aggregate classification.

NM_031421.5(ODAD4):c.1412A>G (p.His471Arg)

Gene: ODAD4 (outer dynein arm docking complex subunit 4; plus strand). Cytogenetic location: 17q21.2.
Variant type: single nucleotide variant.
Coding change: c.1412A>G on transcript NM_031421.5 (MANE Select); coding-DNA position 1412, A replaced by G.
Protein change: p.His471Arg; replaces histidine 471 with arginine.
Molecular consequence: missense variant. On other transcripts: non-coding transcript variant (3), intron variant (1).
Genome position (GRCh38, 1-based): chr17:41,955,286, A>G. VCF-style: chr17-41955286-A-G. GRCh37 (hg19) VCF-style: chr17-40107304-A-G.
Other names: c.1342+5937A>G (NM_001350319.2); short protein forms H471R.
Identifiers: ClinVar variation 1298702 (VCV001298702.37), dbSNP rs144272262, ClinGen allele CA8569298.